The following is an entry in ClinVar:

NM_015459.5(ATL3):c.562-7T>A

Genes: ATL3 (atlastin GTPase 3; minus strand), LNCROPM (lncRNA regulator of PLAAT3 mediated phospholipid metabolism; plus strand). Cytogenetic location: 11q13.1.
Variant type: single nucleotide variant.
Coding change: c.562-7T>A on transcript NM_015459.5 (MANE Select); 7 bases into the intron before coding-DNA position 562, T replaced by A.
Molecular consequence: intron variant.
Genome position (GRCh38, 1-based): chr11:63,646,570, A>T on the plus strand (T>A on the coding strand, the complement: ATL3 is on the minus strand). VCF-style: chr11-63646570-A-T. GRCh37 (hg19) VCF-style: chr11-63414042-A-T.
Other names: c.508-7T>A (NM_001290048.2).
Identifiers: ClinVar variation 1005683 (VCV001005683.9), dbSNP rs1241338011, ClinGen allele CA679178405.

ClinVar aggregate classification (germline): Uncertain significance (1 of 4 stars; one submission).

Conditions:
Neuropathy, hereditary sensory, type 1F. Also called: Hereditary sensory neuropathy type IF; HSN IF. Identifiers: Orphanet 36386, MedGen C3810194, MONDO:0014286, OMIM 615632.

Allele frequency attached by ClinVar (database versions not stated): TOPMed below 0.00001; gnomAD 0.00001; gnomAD exomes 0.00002.
gnomAD v4.1: 24 of 1,596,268 alleles (0.0015%); highest among the groups gnomAD compares: Non-Finnish European, 0.002%; no homozygotes.

Submission:

Labcorp Genetics (formerly Invitae), Labcorp
Classification: Uncertain significance for Neuropathy, hereditary sensory, type 1F. Last evaluated: 2020-04-28. Review status: criteria provided, single submitter. Criteria: Invitae Variant Classification Sherloc (09022015). Collection method: clinical testing. Allele origin: germline.
Comment: In summary, the available evidence is currently insufficient to determine the role of this variant in disease. Therefore, it has been classified as a Variant of Uncertain Significance. Algorithms developed to predict the effect of sequence changes on RNA splicing suggest that this variant may disrupt the consensus splice site, but this prediction has not been confirmed by published transcriptional studies. This variant has not been reported in the literature in individuals with ATL3-related conditions. This variant is not present in population databases (ExAC no frequency). This sequence change falls in intron 5 of the ATL3 gene. It does not directly change the encoded amino acid sequence of the ATL3 protein.